The following is an entry in ClinVar:

ClinVar aggregate classification (germline): Likely benign. Review status: criteria provided, multiple submitters, no conflicts (2 of 4 stars). 3 submissions from 3 submitters: Likely benign (3). Last evaluated 2025-02-17.

Conditions:
Catecholaminergic polymorphic ventricular tachycardia (CVPT). Also called: Catecholamine-induced polymorphic ventricular tachycardia. Identifiers: Orphanet 3286, MedGen C5574922, MONDO:0017990.
Cardiomyopathy (CMYO). Also called: Cardiomyopathies. Identifiers: Orphanet 167848, MedGen C0878544, MONDO:0004994, HP:0001638. Inheritance: Various modes of inheritance.
Catecholaminergic polymorphic ventricular tachycardia 1. Also called: VENTRICULAR TACHYCARDIA, CATECHOLAMINERGIC POLYMORPHIC, 1, WITH OR WITHOUT ATRIAL DYSFUNCTION AND/OR DILATED CARDIOMYOPATHY; RYR2-Related Catecholaminergic Polymorphic Ventricular Tachycardia; VENTRICULAR TACHYCARDIA, STRESS-INDUCED POLYMORPHIC 1. Identifiers: Orphanet 3286, MedGen C1631597, MONDO:0011484, OMIM 604772.

Allele frequency attached by ClinVar (database versions not stated): gnomAD below 0.00001 and 0.00001; gnomAD exomes 0.00003 and 0.00005; ExAC 0.00005.
gnomAD v4.1: 39 of 1,603,666 alleles (0.0024%); highest among the groups gnomAD compares: South Asian, 0.043%; 1 homozygote.

Submissions (3):

Labcorp Genetics (formerly Invitae), Labcorp
Classification: Likely benign for Catecholaminergic polymorphic ventricular tachycardia 1. Last evaluated: 2025-02-17. Review status: criteria provided, single submitter. Criteria: Invitae Variant Classification Sherloc (09022015). Collection method: clinical testing. Allele origin: germline.

All of Us Research Program, National Institutes of Health
Classification: Likely benign for Catecholaminergic polymorphic ventricular tachycardia. Last evaluated: 2023-06-28. Review status: criteria provided, single submitter. Criteria: ACMG Guidelines, 2015. Collection method: clinical testing. Allele origin: germline. Inheritance: Autosomal dominant inheritance. Observed: 1 variant allele, 1 heterozygote.
Comment: This study involves interpretation of variants in research participants for the purpose of population health screening. Participant phenotype was not available at the time of variant classification. Additional details can be found in publication PMID: 35346344, PMCID: PMC8962531

Color Diagnostics, LLC DBA Color Health
Classification: Likely benign for Cardiomyopathy. Last evaluated: 2019-11-20. Review status: criteria provided, single submitter. Criteria: ACMG Guidelines, 2015. Collection method: clinical testing. Allele origin: germline.

NM_001035.3(RYR2):c.5670G>A (p.Lys1890=)

Gene: RYR2 (ryanodine receptor 2; plus strand). Cytogenetic location: 1q43.
Variant type: single nucleotide variant.
Coding change: c.5670G>A on transcript NM_001035.3 (MANE Select); coding-DNA position 5670, G replaced by A.
Protein change: p.Lys1890=; no amino-acid change (lysine 1890 retained).
Molecular consequence: synonymous variant.
Genome position (GRCh38, 1-based): chr1:237,614,798, G>A. VCF-style: chr1-237614798-G-A. GRCh37 (hg19) VCF-style: chr1-237778098-G-A.
Identifiers: ClinVar variation 919459 (VCV000919459.13), dbSNP rs779847743, ClinGen allele CA086933.
Genomic context (GRCh38, chr1:237,614,798, plus strand): 5'-GGACGATGCAAAGCTGCAAGGAGCTGGTGAGGAAGAAGCCAAGGGGGGCAAGCGGCCCAA[G>A]GAAGGCCTGCTCCAAATGAAACTGCCAGAGCCAGTTAAATTGCAGGTAATCAGAACAAGA-3'
Protein context (NP_001026.2, residues 1880-1900): EEEAKGGKRP[Lys1890=]EGLLQMKLPE